The following is an entry in ClinVar:

ClinVar aggregate classification (germline): Likely benign. Review status: criteria provided, multiple submitters, no conflicts (2 of 4 stars). 5 submissions from 5 submitters: Likely benign (4). 1 of the submissions does not count toward it. Last evaluated 2026-05-27.

Conditions:
ELP1-related disorder. Also called: ELP1-related condition.
Medulloblastoma (MDB). Also called: MEDULLOBLASTOMA PREDISPOSITION SYNDROME; Medulloblastoma, somatic. Identifiers: Orphanet 616, MedGen C0025149, MeSH D008527, MONDO:0007959, OMIM 155255, HP:0002885.
Familial dysautonomia. Also called: HSAN III; FD. Identifiers: Orphanet 1764, MedGen C0013364, MONDO:0009131, OMIM 223900. Disease mechanism: loss of function.

Allele frequency attached by ClinVar (database versions not stated): gnomAD 0.00005 and 0.00010; gnomAD exomes 0.00007 and 0.00023; TOPMed 0.00011; ExAC 0.00023; 1000 Genomes Project 30x 0.00094; 1000 Genomes Project 0.00120.
gnomAD v4.1: 129 of 1,613,798 alleles (0.008%); highest among the groups gnomAD compares: East Asian, 0.21%; no homozygotes.

Submissions (5):

PreventionGenetics, part of Exact Sciences
Classification: Likely benign for ELP1-related condition. Last evaluated: 2026-05-27. Review status: criteria provided, single submitter. Criteria: ACMG Guidelines, 2015. Collection method: clinical testing. Allele origin: germline.
Comment: This variant is classified as likely benign based on ACMG/AMP sequence variant interpretation guidelines (Richards et al. 2015 PMID: 25741868, with internal and published modifications).

Labcorp Genetics (formerly Invitae), Labcorp
Classification: Likely benign. Last evaluated: 2026-01-20. Review status: criteria provided, single submitter. Criteria: Invitae Variant Classification Sherloc (09022015). Collection method: clinical testing. Allele origin: germline.

Ambry Genetics
Classification: Likely benign. Last evaluated: 2022-07-11. Review status: criteria provided, single submitter. Criteria: Ambry Variant Classification Scheme 2023. Collection method: clinical testing. Allele origin: germline.

Fulgent Genetics
Classification: Likely benign for Medulloblastoma; Familial dysautonomia. Last evaluated: 2021-07-08. Review status: criteria provided, single submitter. Criteria: ACMG Guidelines, 2015. Collection method: clinical testing. Allele origin: unknown.

Natera, Inc.
Classification: Likely benign for Familial dysautonomia. Last evaluated: 2020-06-01. Review status: no assertion criteria provided. Collection method: clinical testing. Allele origin: germline. Not counted in ClinVar's aggregate classification.

NM_003640.5(ELP1):c.617T>G (p.Phe206Cys)

Gene: ELP1 (elongator acetyltransferase complex subunit 1; minus strand). Cytogenetic location: 9q31.3.
Variant type: single nucleotide variant.
Coding change: c.617T>G on transcript NM_003640.5 (MANE Select); coding-DNA position 617, T replaced by G.
Protein change: p.Phe206Cys; replaces phenylalanine 206 with cysteine.
Molecular consequence: missense variant. On other transcripts: intron variant (1).
Genome position (GRCh38, 1-based): chr9:108,919,285, A>C on the plus strand (T>G on the coding strand, the complement: ELP1 is on the minus strand). VCF-style: chr9-108919285-A-C. GRCh37 (hg19) VCF-style: chr9-111681565-A-C.
Other names: c.275T>G, p.Phe92Cys (NM_001318360.2); c.-307-1615T>G (NM_001330749.2); c.617T>G (NM_003640.4); short protein forms F92C, F206C.
Identifiers: ClinVar variation 701437 (VCV000701437.16), dbSNP rs184739734, ClinGen allele CA5175294.
Genomic context (GRCh38, chr9:108,919,285, plus strand): 5'-GTTGTTTAACTGCAATATATTTCCATACCTGTTTCTGGGCAAACAACACTCACAGCAAAA[A>C]ACTGTCCATCCCCCCGCCAGGTAACTTGTGGTCTATGGTCATCCCAGGGCAAAGCAGACT-3'
Protein context (NP_003631.2, residues 196-216): PQVTWRGDGQ[Phe206Cys]FAVSVVCPET